The following is an entry in ClinVar:

NM_001318876.2(POLR1C):c.944C>T (p.Ala315Val)

Genes: POLR1C (RNA polymerase I and III subunit C; plus strand), XPO5 (exportin 5; minus strand). Cytogenetic location: 6p21.1.
Variant type: single nucleotide variant.
Coding change: c.944C>T on transcript NM_001318876.2; coding-DNA position 944, C replaced by T.
Protein change: p.Ala315Val; replaces alanine 315 with valine.
Molecular consequence: missense variant. On other transcripts: intron variant (2).
Genome position (GRCh38, 1-based): chr6:43,529,270, C>T. VCF-style: chr6-43529270-C-T. GRCh37 (hg19) VCF-style: chr6-43497008-C-T.
Other names: c.922+8222C>T (NM_001363658.2); c.2678-345G>A (NM_020750.3); short protein forms A315V.
Identifiers: ClinVar variation 3055864 (VCV003055864.2), dbSNP rs111715773, ClinGen allele CA3826038.

ClinVar aggregate classification (germline): Benign (0 of 4 stars; one submission).

Conditions:
POLR1C-related disorder. Also called: POLR1C-related disorders; POLR1C-related condition. Identifiers: MedGen CN239394, MONDO:0700278.

Allele frequency attached by ClinVar (database versions not stated): 1000 Genomes Project 0.00579; ESP Exome Variant Server 0.00607; gnomAD exomes 0.00060; gnomAD 0.00564; TOPMed 0.00601; ExAC 0.00197; 1000 Genomes Project 30x 0.00609.
gnomAD v4.1: 1,588 of 1,345,480 alleles (0.12%); highest among the groups gnomAD compares: African/African-American, 1.9%; 14 homozygotes.

Submission:

PreventionGenetics, part of Exact Sciences
Classification: Benign for POLR1C-related condition. Last evaluated: 2019-03-07. Review status: no assertion criteria provided. Collection method: clinical testing. Allele origin: germline.
Comment: This variant is classified as benign based on ACMG/AMP sequence variant interpretation guidelines (Richards et al. 2015 PMID: 25741868, with internal and published modifications).